The following is an entry in ClinVar:

NM_005422.4(TECTA):c.4633G>A (p.Val1545Ile)

Genes: TBCEL-TECTA (TBCEL-TECTA readthrough; plus strand), TECTA (tectorin alpha; plus strand). Cytogenetic location: 11q23.3.
Variant type: single nucleotide variant.
Coding change: c.4633G>A on transcript NM_005422.4 (MANE Select); coding-DNA position 4633, G replaced by A.
Protein change: p.Val1545Ile; replaces valine 1545 with isoleucine.
Molecular consequence: missense variant.
Genome position (GRCh38, 1-based): chr11:121,158,168, G>A. VCF-style: chr11-121158168-G-A. GRCh37 (hg19) VCF-style: chr11-121028877-G-A.
Other names: c.5590G>A, p.Val1864Ile (NM_001378761.1); short protein forms V1545I, V1864I.
Identifiers: ClinVar variation 45333 (VCV000045333.46), dbSNP rs377156351, ClinGen allele CA136055.

ClinVar aggregate classification (germline): Conflicting classifications of pathogenicity. Review status: criteria provided, conflicting classifications (1 of 4 stars). 9 submissions from 9 submitters: Uncertain significance (5); Likely benign (2). 2 of the submissions do not count toward it. Last evaluated 2026-05-06.

Conditions:
TECTA-related disorder. Also called: TECTA-related condition.
Autosomal dominant nonsyndromic hearing loss 12. Also called: DEAFNESS, AUTOSOMAL DOMINANT 8. Identifiers: Orphanet 90635, MedGen C1832187, MONDO:0011102, OMIM 601543.

Allele frequency attached by ClinVar (database versions not stated): ESP Exome Variant Server 0.00015; gnomAD 0.00022 and 0.00024; TOPMed 0.00022; gnomAD exomes 0.00029 and 0.00031; ExAC 0.00032.

Submissions (9):

PreventionGenetics, part of Exact Sciences
Classification: Uncertain significance for TECTA-related condition. Last evaluated: 2026-05-06. Review status: criteria provided, single submitter. Criteria: ACMG Guidelines, 2015. Collection method: clinical testing. Allele origin: germline.
Comment: The TECTA c.4633G>A variant is predicted to result in the amino acid substitution p.Val1545Ile. To our knowledge, this variant has not been reported in the literature. This variant is reported in 0.043% of alleles in individuals of European (Non-Finnish) descent in gnomAD, including one homozygote in the larger gnomAD v4.1.0 database. At this time, the clinical significance of this variant is uncertain due to the absence of conclusive functional and genetic evidence.

Labcorp Genetics (formerly Invitae), Labcorp
Classification: Likely benign. Last evaluated: 2025-11-17. Review status: criteria provided, single submitter. Criteria: Invitae Variant Classification Sherloc (09022015). Collection method: clinical testing. Allele origin: germline.

Blueprint Genetics
Classification: Uncertain significance. Last evaluated: 2024-11-07. Review status: criteria provided, single submitter. Criteria: ACMG Guidelines, 2015. Collection method: clinical testing. Allele origin: germline.

CeGaT Center for Human Genetics Tuebingen
Classification: Likely benign. Last evaluated: 2023-11-01. Review status: criteria provided, single submitter. Criteria: CeGaT Center For Human Genetics Tuebingen Variant Classification Criteria Version 2. Collection method: clinical testing. Allele origin: germline. Affected: yes. Observed: 2 variant alleles.
Comment: TECTA: BP4

GeneDx
Classification: Uncertain significance. Last evaluated: 2023-10-06. Review status: criteria provided, single submitter. Criteria: GeneDx Variant Classification Process June 2021. Collection method: clinical testing. Allele origin: germline. Affected: yes.
Comment: In silico analysis supports that this missense variant does not alter protein structure/function; Has not been previously published as pathogenic or benign to our knowledge; This variant is associated with the following publications: (PMID: 31554319, 9590290, 21520338)

Baylor Genetics
Classification: Uncertain significance for Autosomal dominant nonsyndromic hearing loss 12. Last evaluated: 2018-06-25. Review status: criteria provided, single submitter. Criteria: ACMG Guidelines, 2015. Collection method: clinical testing. Allele origin: paternal. Affected: yes.
Comment: This variant was determined to be of uncertain significance according to ACMG Guidelines, 2015 [PMID:25741868].

Laboratory for Molecular Medicine, Mass General Brigham Personalized Medicine
Classification: Uncertain significance. Last evaluated: 2013-02-05. Review status: criteria provided, single submitter. Criteria: LMM Criteria. Collection method: clinical testing. Allele origin: germline. Observed: 1 variant allele.
Comment: Variant classified as Uncertain Significance - Favor Benign. The 4633G>A Val1545 Ile variant in TECTA has not been previously identified by our laboratory but ha s been seen in 0.02% (2/8598) of European American chromosomes by the NHLBI Exom e Sequencing Project. Computational analyses (biochemical amino acid properties, conservation, AlignGVGD, PolyPhen2, and SIFT ) do not provide strong support for or against an impact to the protein, though one mammal, Pika, carries the same variant in its normal sequence, suggesting a less likely impact to protein function. It should be noted that both recessive a nd dominant mutations have been described for TECTA, with recessive variants pri marily loss of function and dominant typically missense variants. Although the c linical significance of this variant is unknown, we would lean towards a more li kely benign role given the lack of amino acid conservation across all mammals.

Clinical Genetics DNA and cytogenetics Diagnostics Lab, Erasmus MC, Erasmus Medical Center
Classification: Likely benign. Review status: no assertion criteria provided. Collection method: clinical testing. Allele origin: germline. Affected: yes. Study: VKGL Data-share Consensus. Not counted in ClinVar's aggregate classification.

Joint Genome Diagnostic Labs from Nijmegen and Maastricht, Radboudumc and MUMC+
Classification: Likely benign. Review status: no assertion criteria provided. Collection method: clinical testing. Allele origin: germline. Affected: yes. Study: VKGL Data-share Consensus. Not counted in ClinVar's aggregate classification.